The following is an entry in ClinVar:

NM_024675.4(PALB2):c.3552C>G (p.His1184Gln)

Gene: PALB2 (partner and localizer of BRCA2; minus strand). Cytogenetic location: 16p12.2.
Variant type: single nucleotide variant.
Coding change: c.3552C>G on transcript NM_024675.4 (MANE Select); coding-DNA position 3552, C replaced by G.
Protein change: p.His1184Gln; replaces histidine 1184 with glutamine.
Molecular consequence: missense variant.
Genome position (GRCh38, 1-based): chr16:23,603,468, G>C on the plus strand (C>G on the coding strand, the complement: PALB2 is on the minus strand). VCF-style: chr16-23603468-G-C. GRCh37 (hg19) VCF-style: chr16-23614789-G-C.
Other names: short protein forms H1184Q.
Identifiers: ClinVar variation 830212 (VCV000830212.2), dbSNP rs1966394422, ClinGen allele CA395137630.

ClinVar aggregate classification (germline): Likely benign. Review status: criteria provided, single submitter (1 of 4 stars). 2 submissions from 2 submitters: Likely benign (1). 1 of the submissions does not count toward it. Last evaluated 2025-10-01.

Conditions:
Hereditary cancer-predisposing syndrome. Also called: Hereditary neoplastic syndrome; Neoplastic Syndromes, Hereditary; Tumor predisposition; Hereditary Cancer Syndrome. Identifiers: Orphanet 140162, MedGen C0027672, MeSH D009386, MONDO:0015356.

Submissions (2):

Ambry Genetics
Classification: Likely benign for Hereditary cancer-predisposing syndrome. Last evaluated: 2025-10-01. Review status: criteria provided, single submitter. Criteria: Ambry Variant Classification Scheme 2023. Collection method: clinical testing. Allele origin: germline.

Leiden Open Variation Database
Classification: Uncertain significance. Last evaluated: 2018-08-25. Review status: no assertion criteria provided. Collection method: curation. Allele origin: germline. Affected: yes. Not counted in ClinVar's aggregate classification.
Comment: Curators: Marc Tischkowitz, Arleen D. Auerbach. Submitter to LOVD: Yukihide Momozawa.

Literature cited by the submitters: PubMed 30287823 (cited by Leiden Open Variation Database).